The following is an entry in ClinVar:

ClinVar aggregate classification (germline): Uncertain significance (1 of 4 stars; one submission).

Conditions:
FG syndrome (FGS). Identifiers: MedGen C0220769, MONDO:0002010.

Submission:

Labcorp Genetics (formerly Invitae), Labcorp
Classification: Uncertain significance for FG syndrome. Last evaluated: 2025-02-02. Review status: criteria provided, single submitter. Criteria: Invitae Variant Classification Sherloc (09022015). Collection method: clinical testing. Allele origin: germline.
Comment: This sequence change replaces arginine, which is basic and polar, with cysteine, which is neutral and slightly polar, at codon 295 of the MED12 protein (p.Arg295Cys). This variant is not present in population databases (gnomAD no frequency). This variant has not been reported in the literature in individuals affected with MED12-related conditions. ClinVar contains an entry for this variant (Variation ID: 2079955). Invitae Evidence Modeling of protein sequence and biophysical properties (such as structural, functional, and spatial information, amino acid conservation, physicochemical variation, residue mobility, and thermodynamic stability) indicates that this missense variant is expected to disrupt MED12 protein function with a positive predictive value of 95%. In summary, the available evidence is currently insufficient to determine the role of this variant in disease. Therefore, it has been classified as a Variant of Uncertain Significance.

NM_005120.3(MED12):c.883C>T (p.Arg295Cys)

Gene: MED12 (mediator complex subunit 12; plus strand). Cytogenetic location: Xq13.1.
Variant type: single nucleotide variant.
Coding change: c.883C>T on transcript NM_005120.3 (MANE Select); coding-DNA position 883, C replaced by T.
Protein change: p.Arg295Cys; replaces arginine 295 with cysteine.
Molecular consequence: missense variant.
Genome position (GRCh38, 1-based): chrX:71,121,598, C>T. VCF-style: chrX-71121598-C-T. GRCh37 (hg19) VCF-style: chrX-70341448-C-T.
Other names: short protein forms R295C.
Identifiers: ClinVar variation 2079955 (VCV002079955.4), dbSNP rs2519667953, ClinGen allele CA413504421.